The following is an entry in ClinVar:

ClinVar aggregate classification (germline): Uncertain significance. Review status: criteria provided, multiple submitters, no conflicts (2 of 4 stars). 2 submissions from 2 submitters: Uncertain significance (2). Last evaluated 2025-02-13.

Conditions:
Inborn genetic diseases. Identifiers: MedGen C0950123, MeSH D030342.

Allele frequency attached by ClinVar (database versions not stated): gnomAD exomes 0.00001; ExAC 0.00002; gnomAD 0.00003; TOPMed 0.00003.
gnomAD v4.1: 27 of 1,605,430 alleles (0.0017%); highest among the groups gnomAD compares: Middle Eastern, 0.099%; no homozygotes.

Submissions (2):

Ambry Genetics
Classification: Uncertain significance for Inborn genetic diseases. Last evaluated: 2025-02-13. Review status: criteria provided, single submitter. Criteria: Ambry Variant Classification Scheme 2023. Collection method: clinical testing. Allele origin: germline.

Labcorp Genetics (formerly Invitae), Labcorp
Classification: Uncertain significance. Last evaluated: 2022-07-24. Review status: criteria provided, single submitter. Criteria: Invitae Variant Classification Sherloc (09022015). Collection method: clinical testing. Allele origin: germline.
Comment: This sequence change replaces isoleucine, which is neutral and non-polar, with valine, which is neutral and non-polar, at codon 2529 of the DMXL2 protein (p.Ile2529Val). This variant is present in population databases (rs747549642, gnomAD 0.01%). This variant has not been reported in the literature in individuals affected with DMXL2-related conditions. Algorithms developed to predict the effect of missense changes on protein structure and function output the following: SIFT: "Tolerated"; PolyPhen-2: "Benign"; Align-GVGD: "Class C0". The valine amino acid residue is found in multiple mammalian species, which suggests that this missense change does not adversely affect protein function. In summary, the available evidence is currently insufficient to determine the role of this variant in disease. Therefore, it has been classified as a Variant of Uncertain Significance.

NM_001378457.1(DMXL2):c.7585A>G (p.Ile2529Val)

Gene: DMXL2 (Dmx like 2; minus strand). Cytogenetic location: 15q21.2.
Variant type: single nucleotide variant.
Coding change: c.7585A>G on transcript NM_001378457.1 (MANE Select); coding-DNA position 7585, A replaced by G.
Protein change: p.Ile2529Val; replaces isoleucine 2529 with valine.
Molecular consequence: missense variant. On other transcripts: non-coding transcript variant (2), intron variant (1).
Genome position (GRCh38, 1-based): chr15:51,465,587, T>C on the plus strand (A>G on the coding strand, the complement: DMXL2 is on the minus strand). VCF-style: chr15-51465587-T-C. GRCh37 (hg19) VCF-style: chr15-51757784-T-C.
Other names: c.7585A>G, p.Ile2529Val (NM_001174116.3, NM_001378461.1, NM_001378463.1); c.5674A>G, p.Ile1892Val (NM_001174117.3); c.7582A>G, p.Ile2528Val (NM_001378458.1, NM_001378462.1, NM_015263.5); c.5563A>G, p.Ile1855Val (NM_001378460.1); c.7342A>G, p.Ile2448Val (NM_001378464.1); c.7520+597A>G (NM_001378459.1); c.7585A>G (NM_001174116.1); short protein forms I2529V, I1855V, I2448V, I1892V, I2528V.
Identifiers: ClinVar variation 1916995 (VCV001916995.3), dbSNP rs747549642, ClinGen allele CA7561274.